The following is an entry in ClinVar:

NM_000256.3(MYBPC3):c.445G>A (p.Ala149Thr)

Gene: MYBPC3 (myosin binding protein C3; minus strand). Cytogenetic location: 11p11.2.
Variant type: single nucleotide variant.
Coding change: c.445G>A on transcript NM_000256.3 (MANE Select); coding-DNA position 445, G replaced by A.
Protein change: p.Ala149Thr; replaces alanine 149 with threonine.
Molecular consequence: missense variant.
Genome position (GRCh38, 1-based): chr11:47,350,074, C>T on the plus strand (G>A on the coding strand, the complement: MYBPC3 is on the minus strand). VCF-style: chr11-47350074-C-T. GRCh37 (hg19) VCF-style: chr11-47371625-C-T.
Other names: short protein forms A149T.
Identifiers: ClinVar variation 2911692 (VCV002911692.5), dbSNP rs2095898977, ClinGen allele CA380338804.

ClinVar aggregate classification (germline): Uncertain significance. Review status: criteria provided, multiple submitters, no conflicts (2 of 4 stars). 3 submissions from 3 submitters: Uncertain significance (3). Last evaluated 2024-03-07.

Conditions:
Cardiomyopathy (CMYO). Also called: Cardiomyopathies. Identifiers: Orphanet 167848, MedGen C0878544, MONDO:0004994, HP:0001638. Inheritance: Various modes of inheritance.
Hypertrophic cardiomyopathy. Also called: HYPERTROPHIC MYOCARDIOPATHY. Identifiers: Orphanet 217569, MedGen C0007194, MeSH D002312, MONDO:0005045, HP:0001639.

Submissions (3):

Color Diagnostics, LLC DBA Color Health
Classification: Uncertain significance for Cardiomyopathy. Last evaluated: 2024-03-07. Review status: criteria provided, single submitter. Criteria: ACMG Guidelines, 2015. Collection method: clinical testing. Allele origin: germline.
Comment: This missense variant replaces alanine with threonine at codon 149 of the MYBPC3 protein. Computational prediction suggests that this variant may not impact protein structure and function (internally defined REVEL score threshold <= 0.5, PMID: 27666373). To our knowledge, functional studies have not been reported for this variant. This variant has not been reported in individuals affected with MYBPC3-related disorders in the literature. This variant has not been identified in the general population by the Genome Aggregation Database (gnomAD). The available evidence is insufficient to determine the role of this variant in disease conclusively. Therefore, this variant is classified as a Variant of Uncertain Significance.

Labcorp Genetics (formerly Invitae), Labcorp
Classification: Uncertain significance for Hypertrophic cardiomyopathy. Last evaluated: 2023-09-26. Review status: criteria provided, single submitter. Criteria: Invitae Variant Classification Sherloc (09022015). Collection method: clinical testing. Allele origin: germline.
Comment: This sequence change replaces alanine, which is neutral and non-polar, with threonine, which is neutral and polar, at codon 149 of the MYBPC3 protein (p.Ala149Thr). This variant is not present in population databases (gnomAD no frequency). This variant has not been reported in the literature in individuals affected with MYBPC3-related conditions. Algorithms developed to predict the effect of missense changes on protein structure and function output the following: SIFT: "Not Available"; PolyPhen-2: "Benign"; Align-GVGD: "Not Available". The threonine amino acid residue is found in multiple mammalian species, which suggests that this missense change does not adversely affect protein function. In summary, the available evidence is currently insufficient to determine the role of this variant in disease. Therefore, it has been classified as a Variant of Uncertain Significance.

All of Us Research Program, National Institutes of Health
Classification: Uncertain significance for Hypertrophic cardiomyopathy. Last evaluated: 2023-06-08. Review status: criteria provided, single submitter. Criteria: ACMG Guidelines, 2015. Collection method: clinical testing. Allele origin: germline. Inheritance: Autosomal dominant inheritance. Observed: 1 variant allele, 1 heterozygote.
Comment: This missense variant replaces alanine with threonine at codon 149 of the MYBPC3 protein. Computational prediction suggests that this variant may not impact protein structure and function (internally defined REVEL score threshold <= 0.5, PMID: 27666373). To our knowledge, functional studies have not been reported for this variant. This variant has not been reported in individuals affected with MYBPC3-related disorders in the literature. This variant has not been identified in the general population by the Genome Aggregation Database (gnomAD). The available evidence is insufficient to determine the role of this variant in disease conclusively. Therefore, this variant is classified as a Variant of Uncertain Significance.

This study involves interpretation of variants in research participants for the purpose of population health screening. Participant phenotype was not available at the time of variant classification. Additional details can be found in publication PMID: 35346344, PMCID: PMC8962531